The following is an entry in ClinVar:

NM_006767.4(LZTR1):c.221T>A (p.Val74Glu)

Gene: LZTR1 (leucine zipper like post translational regulator 1; plus strand). Cytogenetic location: 22q11.21.
Variant type: single nucleotide variant.
Coding change: c.221T>A on transcript NM_006767.4 (MANE Select); coding-DNA position 221, T replaced by A.
Protein change: p.Val74Glu; replaces valine 74 with glutamic acid.
Molecular consequence: missense variant.
Genome position (GRCh38, 1-based): chr22:20,983,047, T>A. VCF-style: chr22-20983047-T-A. GRCh37 (hg19) VCF-style: chr22-21337336-T-A.
Other names: short protein forms V74E.
Identifiers: ClinVar variation 4101952 (VCV004101952.1).

ClinVar aggregate classification (germline): Uncertain significance (1 of 4 stars; one submission).

Conditions:
Cardiovascular phenotype. Identifiers: MedGen CN230736.
Hereditary cancer-predisposing syndrome. Also called: Tumor predisposition; Neoplastic Syndromes, Hereditary; Hereditary neoplastic syndrome; Hereditary Cancer Syndrome. Identifiers: Orphanet 140162, MedGen C0027672, MeSH D009386, MONDO:0015356.

gnomAD v4.1: 1 of 1,614,158 alleles (0.000062%); highest among the groups gnomAD compares: African/African-American, 0.0013%; no homozygotes.

Submission:

Ambry Genetics
Classification: Uncertain significance for Cardiovascular phenotype; Hereditary cancer-predisposing syndrome. Last evaluated: 2025-09-07. Review status: criteria provided, single submitter. Criteria: Ambry Variant Classification Scheme 2023. Collection method: clinical testing. Allele origin: germline.
Comment: The p.V74E variant (also known as c.221T>A), located in coding exon 2 of the LZTR1 gene, results from a T to A substitution at nucleotide position 221. The valine at codon 74 is replaced by glutamic acid, an amino acid with dissimilar properties. This amino acid position is conserved. In addition, this alteration is predicted to be deleterious by in silico analysis. Based on the available evidence, the clinical significance of this variant remains unclear.